The following is an entry in ClinVar:

ClinVar aggregate classification (germline): Uncertain significance (1 of 4 stars; one submission).

Conditions:
Maple syrup urine disease type 1B (MSUD1B). Also called: MSUD type IB; MSUD type 3 (formerly); MSUD due to deficiency of e1-beta subunit of branched-chain alpha-keto acid dehydrogenase complex. Identifiers: MedGen C2930990, MONDO:0023692, OMIM 620698.

Submission:

Myriad Genetics, Inc.
Classification: Uncertain significance for Maple syrup urine disease type 1B. Last evaluated: 2026-04-16. Review status: criteria provided, single submitter. Criteria: Myriad Autosomal Dominant, Autosomal Recessive and X-Linked Classification Criteria (2023). Collection method: clinical testing. Allele origin: unknown.
Comment: NM_183050.2(BCKDHB):c.1004G>A(G335D) is a missense variant classified as a variant of uncertain significance in the context of maple syrup urine disease type Ib. G335D has been observed in cases with relevant disease (PMID: 28417071). Relevant functional assessments of this variant are not available in the literature. G335D has not been observed in referenced population frequency databases. In summary, there is insufficient evidence to classify NM_183050.2(BCKDHB):c.1004G>A(G335D) as pathogenic or benign. Please note: this variant was assessed in the context of healthy population screening.

Literature cited by the submitters: PubMed 28417071.

NM_183050.4(BCKDHB):c.1004G>A (p.Gly335Asp)

Gene: BCKDHB (branched chain keto acid dehydrogenase E1 subunit beta; plus strand). Cytogenetic location: 6q14.1.
Variant type: single nucleotide variant.
Coding change: c.1004G>A on transcript NM_183050.4 (MANE Select); coding-DNA position 1004, G replaced by A.
Protein change: p.Gly335Asp; replaces glycine 335 with aspartic acid.
Molecular consequence: missense variant. On other transcripts: non-coding transcript variant (6).
Genome position (GRCh38, 1-based): chr6:80,273,187, G>A. VCF-style: chr6-80273187-G-A. GRCh37 (hg19) VCF-style: chr6-80982904-G-A.
Other names: c.1004G>A, p.Gly335Asp (NM_000056.5, NM_001424035.1, NM_001424036.1 and 5 more transcripts); c.794G>A, p.Gly265Asp (NM_001318975.1, NM_001424043.1); short protein forms G265D, G335D.
Identifiers: ClinVar variation 5003401 (VCV005003401.1).